The following is an entry in ClinVar:

ClinVar aggregate classification (germline): Uncertain significance. Review status: criteria provided, multiple submitters, no conflicts (2 of 4 stars). 2 submissions from 2 submitters: Uncertain significance (2). Last evaluated 2025-05-19.

Conditions:
Inborn genetic diseases. Identifiers: MedGen C0950123, MeSH D030342.

Allele frequency attached by ClinVar (database versions not stated): TOPMed 0.00005; ExAC 0.00002; gnomAD 0.00003.
gnomAD v4.1: 20 of 1,613,628 alleles (0.0012%); highest among the groups gnomAD compares: Admixed American, 0.01%; no homozygotes.

Submissions (2):

Ambry Genetics
Classification: Uncertain significance for Inborn genetic diseases. Last evaluated: 2025-05-19. Review status: criteria provided, single submitter. Criteria: Ambry Variant Classification Scheme 2023. Collection method: clinical testing. Allele origin: germline.

Labcorp Genetics (formerly Invitae), Labcorp
Classification: Uncertain significance. Last evaluated: 2022-10-13. Review status: criteria provided, single submitter. Criteria: Invitae Variant Classification Sherloc (09022015). Collection method: clinical testing. Allele origin: germline.
Comment: This sequence change replaces glutamic acid, which is acidic and polar, with lysine, which is basic and polar, at codon 1319 of the CDH23 protein (p.Glu1319Lys). This variant is present in population databases (rs749805386, gnomAD 0.003%). This variant has not been reported in the literature in individuals affected with CDH23-related conditions. Advanced modeling of protein sequence and biophysical properties (such as structural, functional, and spatial information, amino acid conservation, physicochemical variation, residue mobility, and thermodynamic stability) performed at Invitae indicates that this missense variant is not expected to disrupt CDH23 protein function. In summary, the available evidence is currently insufficient to determine the role of this variant in disease. Therefore, it has been classified as a Variant of Uncertain Significance.

NM_022124.6(CDH23):c.3955G>A (p.Glu1319Lys)

Genes: C10orf105 (chromosome 10 open reading frame 105; minus strand), CDH23 (cadherin related 23; plus strand). Cytogenetic location: 10q22.1.
Variant type: single nucleotide variant.
Coding change: c.3955G>A on transcript NM_022124.6 (MANE Select); coding-DNA position 3955, G replaced by A.
Protein change: p.Glu1319Lys; replaces glutamic acid 1319 with lysine.
Molecular consequence: missense variant. On other transcripts: intron variant (1).
Genome position (GRCh38, 1-based): chr10:71,732,226, G>A. VCF-style: chr10-71732226-G-A. GRCh37 (hg19) VCF-style: chr10-73491983-G-A.
Other names: c.3955G>A, p.Glu1319Lys (NM_001171930.2); c.-6+5502C>T (NM_001168390.2); short protein forms E1319K.
Identifiers: ClinVar variation 2065102 (VCV002065102.2), dbSNP rs749805386, ClinGen allele CA5544877.